The following is an entry in ClinVar:

NM_007294.4(BRCA1):c.40G>C (p.Val14Leu)

Gene: BRCA1 (BRCA1 DNA repair associated; minus strand). Cytogenetic location: 17q21.31.
Variant type: single nucleotide variant.
Coding change: c.40G>C on transcript NM_007294.4 (MANE Select); coding-DNA position 40, G replaced by C.
Protein change: p.Val14Leu; replaces valine 14 with leucine.
Molecular consequence: missense variant. On other transcripts: 5 prime UTR variant (1), non-coding transcript variant (1).
Genome position (GRCh38, 1-based): chr17:43,124,057, C>G on the plus strand (G>C on the coding strand, the complement: BRCA1 is on the minus strand). VCF-style: chr17-43124057-C-G. GRCh37 (hg19) VCF-style: chr17-41276074-C-G.
Other names: c.-149G>C (NM_001407571.1, NM_001407853.1, NM_001407879.1 and 46 more transcripts); c.40G>C, p.Val14Leu (NM_001407581.1, NM_001407582.1, NM_001407583.1 and 193 more transcripts); c.-218G>C (NM_001407694.1, NM_001407724.1, NM_001407727.1 and 11 more transcripts); c.-222G>C (NM_001407695.1, NM_001408465.1); c.-363G>C (NM_001407696.1); c.-247G>C (NM_001407697.1, NM_001407846.1, NM_001407920.1); c.-48G>C (NM_001407698.1, NM_001407732.1, NM_001407736.1 and 23 more transcripts); c.-221G>C (NM_001407725.1, NM_001407730.1, NM_001407734.1 and 22 more transcripts); and 8 more; short protein forms V14L.
Identifiers: ClinVar variation 869093 (VCV000869093.3), dbSNP rs2055732548, ClinGen allele CA10602079.

Conditions:
Breast-ovarian cancer, familial, susceptibility to, 1 (BROVCA1). Also called: BRCA1 Hereditary Breast and Ovarian Cancer; OVARIAN CANCER, SUSCEPTIBILITY TO. Identifiers: Orphanet 145, MedGen C2676676, MONDO:0011450, OMIM 604370. Disease mechanism: loss of function.

gnomAD v4.1: 1 of 1,613,844 alleles (0.000062%); highest among the groups gnomAD compares: Non-Finnish European, 0.000085%; no homozygotes.

Submission:

Brotman Baty Institute, University of Washington
No classification provided (evidence only). Condition: Breast-ovarian cancer, familial 1. Review status: no classification provided. Collection method: in vitro. Allele origin: not applicable. Functional consequence: functionally_normal.
ClinVar note: "not provided" was previously submitted as the classification for the variant. However, the classification appeared to be based only on an observation of functional data so it was converted to no classification on 2025-07-30.